The following is an entry in ClinVar:

ClinVar aggregate classification (germline): Conflicting classifications of pathogenicity. Review status: criteria provided, conflicting classifications (1 of 4 stars). 7 submissions from 6 submitters: Uncertain significance (5); Benign (1); Likely benign (1). Last evaluated 2026-04-27.

Conditions:
Multiple epiphyseal dysplasia type 1. Also called: COMP-Related Multiple Epiphyseal Dysplasia. Identifiers: Orphanet 93308, MedGen C1838280, MONDO:0007561, OMIM 132400.
Pseudoachondroplastic spondyloepiphyseal dysplasia syndrome (PSACH). Also called: COMP-Related Pseudoachondroplasia; PSEUDOACHONDROPLASTIC DYSPLASIA; Pseudoachondroplasia. Identifiers: Orphanet 750, MedGen C0410538, MONDO:0008322, OMIM 177170.

Allele frequency attached by ClinVar (database versions not stated): ExAC 0.00008; gnomAD 0.00024 and 0.00026; gnomAD exomes 0.00024 and 0.00041; TOPMed 0.00029; 1000 Genomes Project 0.00040; 1000 Genomes Project 30x 0.00047.
gnomAD v4.1: 608 of 1,545,806 alleles (0.039%); highest among the groups gnomAD compares: Middle Eastern, 0.1%; no homozygotes.

Submissions (7):

Women's Health and Genetics/Laboratory Corporation of America, LabCorp
Classification: Uncertain significance. Last evaluated: 2026-04-27. Review status: criteria provided, single submitter. Criteria: LabCorp Variant Classification Summary - May 2015. Collection method: clinical testing. Allele origin: germline.
Comment: Variant summary: COMP c.700C>T (p.Pro234Ser) results in a non-conservative amino acid change in the encoded protein sequence. Algorithms developed to predict the effect of missense changes on protein structure and function are either unavailable or do not agree on the potential impact of this missense change. The variant allele was found at a frequency of 0.00024 in 140096 control chromosomes. This frequency is not significantly higher than estimated for disease-causing variants in COMP, allowing no conclusion about variant significance. c.700C>T has been observed in individuals affected with COMP-Related Disorders (Jackson_2012, Cavarzere_2024). These reports do not provide unequivocal conclusions about association of the variant with COMP-Related Disorders. To our knowledge, no experimental evidence demonstrating an impact on protein function has been reported. The following publications have been ascertained in the context of this evaluation (PMID: 38087044, 21922596). ClinVar contains an entry for this variant (Variation ID: 890212). Based on the evidence outlined above, the variant was classified as uncertain significance.

Labcorp Genetics (formerly Invitae), Labcorp
Classification: Likely benign. Last evaluated: 2025-11-27. Review status: criteria provided, single submitter. Criteria: Invitae Variant Classification Sherloc (09022015). Collection method: clinical testing. Allele origin: germline.

CeGaT Center for Human Genetics Tuebingen
Classification: Benign. Last evaluated: 2025-07-01. Review status: criteria provided, single submitter. Criteria: CeGaT Center For Human Genetics Tuebingen Variant Classification Criteria Version 2. Collection method: clinical testing. Allele origin: germline. Affected: yes. Observed: 2 variant alleles.
Comment: COMP: PP2, BP4, BS1, BS2

GeneDx
Classification: Uncertain significance. Last evaluated: 2022-07-19. Review status: criteria provided, single submitter. Criteria: GeneDx Variant Classification Process June 2021. Collection method: clinical testing. Allele origin: germline. Affected: yes.
Comment: Reported as heterozygous in a patient with pseudoachondroplasia in the published literature (Jackson et al., 2011); In silico analysis supports that this missense variant does not alter protein structure/function; This variant is associated with the following publications: (PMID: 34426522, 24595329, 23562786, 30906833, 21922596)

Mendelics
Classification: Uncertain significance. Last evaluated: 2022-05-04. Review status: criteria provided, single submitter. Criteria: Mendelics Assertion Criteria 2019. Collection method: clinical testing. Allele origin: germline.

Illumina Laboratory Services, Illumina
Classification: Uncertain significance for Pseudoachondroplastic spondyloepiphyseal dysplasia syndrome. Last evaluated: 2017-04-28. Review status: criteria provided, single submitter. Criteria: ICSL Variant Classification Criteria 13 December 2019. Collection method: clinical testing. Allele origin: germline.
Comment: This variant was observed as part of a predisposition screen in an ostensibly healthy population. A literature search was performed for the gene, cDNA change, and amino acid change (where applicable). Publications were found based on this search. However, the evidence from the literature, in combination with allele frequency data from public databases where available, was not sufficient to rule this variant in or out of causing disease. Therefore, this variant is classified as a variant of unknown significance.

Illumina Laboratory Services, Illumina
Classification: Uncertain significance for Multiple epiphyseal dysplasia type 1. Last evaluated: 2017-04-28. Review status: criteria provided, single submitter. Criteria: ICSL Variant Classification Criteria 13 December 2019. Collection method: clinical testing. Allele origin: germline.
Comment: the same text as in the submission from Illumina Laboratory Services, Illumina above.

Literature cited by the submitters: PubMed 21922596 (cited by Women's Health and Genetics/Laboratory Corporation of America, LabCorp); PubMed 38087044 (cited by Women's Health and Genetics/Laboratory Corporation of America, LabCorp); PubMed 24595329 (cited by Illumina Laboratory Services, Illumina).

NM_000095.3(COMP):c.700C>T (p.Pro234Ser)

Gene: COMP (cartilage oligomeric matrix protein; minus strand). Cytogenetic location: 19p13.11.
Variant type: single nucleotide variant.
Coding change: c.700C>T on transcript NM_000095.3 (MANE Select); coding-DNA position 700, C replaced by T.
Protein change: p.Pro234Ser; replaces proline 234 with serine.
Molecular consequence: missense variant.
Genome position (GRCh38, 1-based): chr19:18,788,654, G>A on the plus strand (C>T on the coding strand, the complement: COMP is on the minus strand). VCF-style: chr19-18788654-G-A. GRCh37 (hg19) VCF-style: chr19-18899463-G-A.
Other names: short protein forms P234S.
Identifiers: ClinVar variation 890212 (VCV000890212.26), dbSNP rs557483957, ClinGen allele CA9316648.